The following is an entry in ClinVar:

ClinVar aggregate classification (germline): Uncertain significance (1 of 4 stars; one submission).

Submission:

Ambry Genetics
Classification: Uncertain significance. Last evaluated: 2022-03-29. Review status: criteria provided, single submitter. Criteria: Ambry Variant Classification Scheme 2023. Collection method: clinical testing. Allele origin: germline.
Comment: The p.A166G variant (also known as c.497C>G), located in coding exon 1 of the TERF2IP gene, results from a C to G substitution at nucleotide position 497. The alanine at codon 166 is replaced by glycine, an amino acid with similar properties. This amino acid position is conserved. In addition, this alteration is predicted to be tolerated by in silico analysis. Since supporting evidence is limited at this time, the clinical significance of this alteration remains unclear.

NM_018975.4(TERF2IP):c.497C>G (p.Ala166Gly)

Gene: TERF2IP (TERF2 interacting protein; plus strand). Cytogenetic location: 16q23.1.
Variant type: single nucleotide variant.
Coding change: c.497C>G on transcript NM_018975.4 (MANE Select); coding-DNA position 497, C replaced by G.
Protein change: p.Ala166Gly; replaces alanine 166 with glycine.
Molecular consequence: missense variant. On other transcripts: non-coding transcript variant (1).
Genome position (GRCh38, 1-based): chr16:75,648,379, C>G. VCF-style: chr16-75648379-C-G. GRCh37 (hg19) VCF-style: chr16-75682277-C-G.
Other names: short protein forms A166G.
Identifiers: ClinVar variation 1744516 (VCV001744516.2), dbSNP rs1389394795, ClinGen allele CA396818029.